The following is an entry in ClinVar:

ClinVar aggregate classification (germline): Uncertain significance. Review status: criteria provided, multiple submitters, no conflicts (2 of 4 stars). 2 submissions from 2 submitters: Uncertain significance (2). Last evaluated 2024-04-08.

Conditions:
Renal cell carcinoma. Identifiers: Orphanet 217071, MedGen C0007134, MeSH D002292, MONDO:0005086, HP:0005584.
Autosomal recessive nonsyndromic hearing loss 97. Also called: Deafness, autosomal recessive 97. Identifiers: Orphanet 90636, MedGen C4084709, MONDO:0014739, OMIM 616705.

Submissions (2):

Labcorp Genetics (formerly Invitae), Labcorp
Classification: Uncertain significance for Renal cell carcinoma. Last evaluated: 2024-04-08. Review status: criteria provided, single submitter. Criteria: Invitae Variant Classification Sherloc (09022015). Collection method: clinical testing. Allele origin: germline.
Comment: This sequence change replaces threonine, which is neutral and polar, with serine, which is neutral and polar, at codon 1279 of the MET protein (p.Thr1279Ser). This variant is not present in population databases (gnomAD no frequency). This variant has not been reported in the literature in individuals affected with MET-related conditions. ClinVar contains an entry for this variant (Variation ID: 2195251). Advanced modeling of protein sequence and biophysical properties (such as structural, functional, and spatial information, amino acid conservation, physicochemical variation, residue mobility, and thermodynamic stability) performed at Invitae indicates that this missense variant is not expected to disrupt MET protein function with a negative predictive value of 80%. In summary, the available evidence is currently insufficient to determine the role of this variant in disease. Therefore, it has been classified as a Variant of Uncertain Significance.

Baylor Genetics
Classification: Uncertain significance for Autosomal recessive nonsyndromic hearing loss 97. Last evaluated: 2023-05-26. Review status: criteria provided, single submitter. Criteria: ACMG Guidelines, 2015. Collection method: clinical testing. Allele origin: unknown.

NM_000245.4(MET):c.3781A>T (p.Thr1261Ser)

Gene: MET (MET proto-oncogene, receptor tyrosine kinase; plus strand). Cytogenetic location: 7q31.2.
Variant type: single nucleotide variant.
Coding change: c.3781A>T on transcript NM_000245.4 (MANE Select); coding-DNA position 3781, A replaced by T.
Protein change: p.Thr1261Ser; replaces threonine 1261 with serine.
Molecular consequence: missense variant.
Genome position (GRCh38, 1-based): chr7:116,783,452, A>T. VCF-style: chr7-116783452-A-T. GRCh37 (hg19) VCF-style: chr7-116423506-A-T.
Other names: c.3835A>T, p.Thr1279Ser (NM_001127500.3); c.2491A>T, p.Thr831Ser (NM_001324402.2); short protein forms T1261S, T1279S, T831S.
Identifiers: ClinVar variation 2195251 (VCV002195251.5), dbSNP rs45595632, ClinGen allele CA368992020.
Genomic context (GRCh38, chr7:116,783,452, plus strand): 5'-ACAGGTGCAAAGCTGCCAGTGAAGTGGATGGCTTTGGAAAGTCTGCAAACTCAAAAGTTT[A>T]CCACCAAGTCAGATGTGGTAATGTATTGGTTATCTCTGAGTTTCTCCTCTTTTACTTTCA-3'
Protein context (NP_000236.2, residues 1251-1271): ALESLQTQKF[Thr1261Ser]TKSDVWSFGV